The following is an entry in ClinVar:

NM_002010.3(FGF9):c.*541C>A

Gene: FGF9 (fibroblast growth factor 9; plus strand). Cytogenetic location: 13q12.11.
Variant type: single nucleotide variant.
Coding change: c.*541C>A on transcript NM_002010.3 (MANE Select); 541 bases downstream of the stop codon, C replaced by A.
Molecular consequence: 3 prime UTR variant.
Genome position (GRCh38, 1-based): chr13:21,701,976, C>A. VCF-style: chr13-21701976-C-A. GRCh37 (hg19) VCF-style: chr13-22276115-C-A.
Identifiers: ClinVar variation 882904 (VCV000882904.4), dbSNP rs17070747, ClinGen allele CA246855197.

ClinVar aggregate classification (germline): Benign (1 of 4 stars; one submission).

Conditions:
Multiple synostoses syndrome 3 (SYNS3). Identifiers: Orphanet 3237, MedGen C2751826, MONDO:0013064, OMIM 612961.

Allele frequency attached by ClinVar (database versions not stated): TOPMed 0.00059; 1000 Genomes Project 0.00140; 1000 Genomes Project 30x 0.00156.

Submission:

Illumina Laboratory Services, Illumina
Classification: Benign for Multiple synostoses syndrome 3. Last evaluated: 2018-01-12. Review status: criteria provided, single submitter. Criteria: ICSL Variant Classification Criteria 13 December 2019. Collection method: clinical testing. Allele origin: germline.
Comment: This variant was observed in the ICSL laboratory as part of a predisposition screen in an ostensibly healthy population. It had not been previously curated by ICSL or reported in the Human Gene Mutation Database (HGMD: prior to June 1st, 2018), and was therefore a candidate for classification through an automated scoring system. Utilizing variant allele frequency, disease prevalence and penetrance estimates, and inheritance mode, an automated score was calculated to assess if this variant is too frequent to cause the disease. Based on the score and internal cut-off values, a variant classified as benign is not then subjected to further curation. The score for this variant resulted in a classification of benign for this disease.